The following is an entry in ClinVar:

ClinVar aggregate classification (germline): Uncertain significance (1 of 4 stars; one submission).

Allele frequency attached by ClinVar (database versions not stated): TOPMed below 0.00001.

Submission:

Centre of Medical Genetics, University Hospital Muenster
Classification: Uncertain significance. Last evaluated: 2022-05-17. Review status: criteria provided, single submitter. Criteria: ACMG Guidelines, 2015. Collection method: clinical testing. Allele origin: unknown. Affected: yes. Observed: 1 variant allele, 1 heterozygote.
Comment: ACMG categories: PM2,PP3

NM_006180.6(NTRK2):c.2065G>A (p.Val689Met)

Gene: NTRK2 (neurotrophic receptor tyrosine kinase 2; plus strand). Cytogenetic location: 9q21.33.
Variant type: single nucleotide variant.
Coding change: c.2065G>A on transcript NM_006180.6 (MANE Select); coding-DNA position 2065, G replaced by A.
Protein change: p.Val689Met; replaces valine 689 with methionine.
Molecular consequence: missense variant.
Genome position (GRCh38, 1-based): chr9:84,955,410, G>A. VCF-style: chr9-84955410-G-A. GRCh37 (hg19) VCF-style: chr9-87570325-G-A.
Other names: c.2017G>A, p.Val673Met (NM_001018064.3, NM_001369532.1, NM_001369533.1); c.1981G>A, p.Val661Met (NM_001369534.1); c.1549G>A, p.Val517Met (NM_001369535.1); c.1597G>A, p.Val533Met (NM_001369536.1); c.2065G>A, p.Val689Met (NM_001381928.1); short protein forms V517M, V533M, V661M, V673M, V689M.
Identifiers: ClinVar variation 1708394 (VCV001708394.2), dbSNP rs1823993486, ClinGen allele CA374010163.
Genomic context (GRCh38, chr9:84,955,410, plus strand): 5'-ATGCTGCATATAGCCCAGCAGATCGCCGCGGGCATGGTCTACCTGGCGTCCCAGCACTTC[G>A]TGCACCGCGATTTGGCCACCAGGAACTGCCTGGTCGGGGAGAACTTGCTGGTGAAAATCG-3'
Protein context (NP_006171.2, residues 679-699): GMVYLASQHF[Val689Met]HRDLATRNCL